The following is an entry in ClinVar:

ClinVar aggregate classification (germline): Uncertain significance (1 of 4 stars; one submission).

gnomAD v4.1: 1 of 1,607,966 alleles (0.000062%); highest among the groups gnomAD compares: Non-Finnish European, 0.000085%; no homozygotes.

Submission:

Labcorp Genetics (formerly Invitae), Labcorp
Classification: Uncertain significance. Last evaluated: 2024-09-01. Review status: criteria provided, single submitter. Criteria: Invitae Variant Classification Sherloc (09022015). Collection method: clinical testing. Allele origin: germline.
Comment: This sequence change replaces aspartic acid, which is acidic and polar, with asparagine, which is neutral and polar, at codon 494 of the CARMIL2 protein (p.Asp494Asn). This variant is present in population databases (rs367900582, gnomAD 0.002%). This variant has not been reported in the literature in individuals affected with CARMIL2-related conditions. Invitae Evidence Modeling of protein sequence and biophysical properties (such as structural, functional, and spatial information, amino acid conservation, physicochemical variation, residue mobility, and thermodynamic stability) indicates that this missense variant is not expected to disrupt CARMIL2 protein function with a negative predictive value of 80%. In summary, the available evidence is currently insufficient to determine the role of this variant in disease. Therefore, it has been classified as a Variant of Uncertain Significance.

NM_001013838.3(CARMIL2):c.1480G>A (p.Asp494Asn)

Gene: CARMIL2 (capping protein regulator and myosin 1 linker 2; plus strand). Cytogenetic location: 16q22.1.
Variant type: single nucleotide variant.
Coding change: c.1480G>A on transcript NM_001013838.3 (MANE Select); coding-DNA position 1480, G replaced by A.
Protein change: p.Asp494Asn; replaces aspartic acid 494 with asparagine.
Molecular consequence: missense variant.
Genome position (GRCh38, 1-based): chr16:67,648,725, G>A. VCF-style: chr16-67648725-G-A. GRCh37 (hg19) VCF-style: chr16-67682628-G-A.
Other names: c.1372G>A, p.Asp458Asn (NM_001317026.3); short protein forms D494N, D458N.
Identifiers: ClinVar variation 3677334 (VCV003677334.2).
Genomic context (GRCh38, chr16:67,648,725, plus strand): 5'-CGTGTAACGTCCTCTCCCAGAGCCCTTTTGGATGGCCTCGCGCTCAACACGCACCTCCGC[G>A]ACCTGCACCTGGACCTCAGCGCTTGCGAGGTGAGCGCCGGCCCCCAGAAGAGACCACACA-3'
Protein context (NP_001013860.1, residues 484-504): DGLALNTHLR[Asp494Asn]LHLDLSACEL